The following is an entry in ClinVar:

ClinVar aggregate classification (germline): Uncertain significance. Review status: criteria provided, multiple submitters, no conflicts (2 of 4 stars). 2 submissions from 2 submitters: Uncertain significance (2). Last evaluated 2025-12-29.

Conditions:
Hereditary cancer-predisposing syndrome. Also called: Neoplastic Syndromes, Hereditary; Hereditary Cancer Syndrome; Tumor predisposition; Hereditary neoplastic syndrome. Identifiers: Orphanet 140162, MedGen C0027672, MeSH D009386, MONDO:0015356.

Submissions (2):

Center for Genomic Medicine, Rigshospitalet, Copenhagen University Hospital
Classification: Uncertain significance. Last evaluated: 2025-12-29. Review status: criteria provided, single submitter. Criteria: ACMG Guidelines, 2015. Collection method: clinical testing. Allele origin: germline.

Ambry Genetics
Classification: Uncertain significance for Hereditary cancer-predisposing syndrome. Last evaluated: 2025-09-07. Review status: criteria provided, single submitter. Criteria: Ambry Variant Classification Scheme 2023. Collection method: clinical testing. Allele origin: germline.
Comment: The p.P109L variant (also known as c.326C>T), located in coding exon 2 of the NTHL1 gene, results from a C to T substitution at nucleotide position 326. The proline at codon 109 is replaced by leucine, an amino acid with similar properties. This amino acid position is conserved. In addition, this alteration is predicted to be deleterious by in silico analysis. Based on the available evidence, the clinical significance of this variant remains unclear.

NM_002528.7(NTHL1):c.302C>T (p.Pro101Leu)

Gene: NTHL1 (nth like DNA glycosylase 1; minus strand). Cytogenetic location: 16p13.3.
Variant type: single nucleotide variant.
Coding change: c.302C>T on transcript NM_002528.7 (MANE Select); coding-DNA position 302, C replaced by T.
Protein change: p.Pro101Leu; replaces proline 101 with leucine.
Molecular consequence: missense variant. On other transcripts: intron variant (1).
Genome position (GRCh38, 1-based): chr16:2,046,180, G>A on the plus strand (C>T on the coding strand, the complement: NTHL1 is on the minus strand). VCF-style: chr16-2046180-G-A. GRCh37 (hg19) VCF-style: chr16-2096181-G-A.
Other names: c.302C>T, p.Pro101Leu (NM_001318193.2); c.24+100C>T (NM_001318194.2); c.326C>T (NM_002528.5); short protein forms P101L.
Identifiers: ClinVar variation 2691961 (VCV002691961.4), dbSNP rs2548319517, ClinGen allele CA394295508.
Genomic context (GRCh38, chr16:2,046,180, plus strand): 5'-CTGCCTACCTTTGGGGGGGCACTGGAGTCATAGCAGTGCTCAGTCCCCAGATGGTCCACA[G>A]GTGCATCCTTTTTGTTCCTCATGGCACGGATGTTGACCAGCTGTTGCTGCCAGTCCTGGG-3'
Protein context (NP_002519.2, residues 91-111): IRAMRNKKDA[Pro101Leu]VDHLGTEHCY